The following is an entry in ClinVar:

ClinVar aggregate classification (germline): Uncertain significance (1 of 4 stars; one submission).

Conditions:
Cystic fibrosis (CF). Also called: MUCOVISCIDOSIS. Identifiers: Orphanet 586, MedGen C0010674, MONDO:0009061, OMIM 219700. Disease mechanism: loss of function.

Allele frequency attached by ClinVar (database versions not stated): TOPMed 0.00001.

Submission:

Ambry Genetics
Classification: Uncertain significance for Cystic fibrosis. Last evaluated: 2023-08-31. Review status: criteria provided, single submitter. Criteria: Ambry Variant Classification Scheme 2023. Collection method: clinical testing. Allele origin: germline.
Comment: The p.I601V variant (also known as c.1801A>G), located in coding exon 14 of the CFTR gene, results from an A to G substitution at nucleotide position 1801. The isoleucine at codon 601 is replaced by valine, an amino acid with highly similar properties. This amino acid position is highly conserved in available vertebrate species. In addition, the in silico prediction for this alteration is inconclusive. Since supporting evidence is limited at this time, the clinical significance of this alteration remains unclear.

NM_000492.4(CFTR):c.1801A>G (p.Ile601Val)

Gene: CFTR (CF transmembrane conductance regulator; plus strand). Cytogenetic location: 7q31.2.
Variant type: single nucleotide variant.
Coding change: c.1801A>G on transcript NM_000492.4 (MANE Select); coding-DNA position 1801, A replaced by G.
Protein change: p.Ile601Val; replaces isoleucine 601 with valine.
Molecular consequence: missense variant.
Genome position (GRCh38, 1-based): chr7:117,591,968, A>G. VCF-style: chr7-117591968-A-G. GRCh37 (hg19) VCF-style: chr7-117232022-A-G.
Other names: short protein forms I601V.
Identifiers: ClinVar variation 1780407 (VCV001780407.3), dbSNP rs397508306, ClinGen allele CA368977959.